The following is an entry in ClinVar:

NM_012275.3(IL36RN):c.115+4G>A

Gene: IL36RN (interleukin 36 receptor antagonist; plus strand). Cytogenetic location: 2q14.1.
Variant type: single nucleotide variant.
Coding change: c.115+4G>A on transcript NM_012275.3 (MANE Select); 4 bases into the intron after coding-DNA position 115, G replaced by A.
Molecular consequence: intron variant.
Genome position (GRCh38, 1-based): chr2:113,060,941, G>A. VCF-style: chr2-113060941-G-A. GRCh37 (hg19) VCF-style: chr2-113818518-G-A.
Other names: c.115+4G>A (NM_173170.1).
Identifiers: ClinVar variation 1354180 (VCV001354180.6), dbSNP rs2105068105, ClinGen allele CA2573133156.
Genomic context (GRCh38, chr2:113,060,941, plus strand): 5'-ATCTGCATAATAACCAGCTTCTAGCTGGAGGGCTGCATGCAGGGAAGGTCATTAAAGGTT[G>A]GTGATGAAACATGACCCACTTTCCTTGGTCTCTATACACTCTCAGGGGAGGGGGCCTGAA-3'

ClinVar aggregate classification (germline): Uncertain significance (1 of 4 stars; one submission).

Conditions:
Generalized pustular psoriasis. Identifiers: Orphanet 247353, MedGen C0343055, MONDO:0100491.

Submission:

Labcorp Genetics (formerly Invitae), Labcorp
Classification: Uncertain significance for Generalized pustular psoriasis. Last evaluated: 2022-10-25. Review status: criteria provided, single submitter. Criteria: Invitae Variant Classification Sherloc (09022015). Collection method: clinical testing. Allele origin: germline.
Comment: In summary, the available evidence is currently insufficient to determine the role of this variant in disease. Therefore, it has been classified as a Variant of Uncertain Significance. This sequence change falls in intron 3 of the IL36RN gene. It does not directly change the encoded amino acid sequence of the IL36RN protein. It affects a nucleotide within the consensus splice site. This variant is not present in population databases (gnomAD no frequency). This variant has not been reported in the literature in individuals affected with IL36RN-related conditions. ClinVar contains an entry for this variant (Variation ID: 1354180). Variants that disrupt the consensus splice site are a relatively common cause of aberrant splicing (PMID: 17576681, 9536098). Algorithms developed to predict the effect of sequence changes on RNA splicing suggest that this variant is not likely to affect RNA splicing.

Literature cited by the submitters: PubMed 17576681; PubMed 9536098.